The following is an entry in ClinVar:

ClinVar aggregate classification (germline): Uncertain significance (1 of 4 stars; one submission).

Conditions:
Hereditary cancer-predisposing syndrome. Also called: Hereditary Cancer Syndrome; Hereditary neoplastic syndrome; Neoplastic Syndromes, Hereditary; Tumor predisposition. Identifiers: Orphanet 140162, MedGen C0027672, MeSH D009386, MONDO:0015356.

Allele frequency attached by ClinVar (database versions not stated): gnomAD exomes below 0.00001.

Submission:

Ambry Genetics
Classification: Uncertain significance for Hereditary cancer-predisposing syndrome. Last evaluated: 2026-09-03. Review status: criteria provided, single submitter. Criteria: Ambry Variant Classification Scheme 2023. Collection method: clinical testing. Allele origin: germline.
Comment: The p.M158T variant (also known as c.473T>C), located in coding exon 3 of the PTCH1 gene, results from a T to C substitution at nucleotide position 473. The methionine at codon 158 is replaced by threonine, an amino acid with similar properties. This amino acid position is well conserved in available vertebrate species. In addition, this alteration is predicted to be deleterious by in silico analysis. Based on the available evidence, the clinical significance of this variant remains unclear.

NM_000264.5(PTCH1):c.473T>C (p.Met158Thr)

Gene: PTCH1 (patched 1; minus strand). Cytogenetic location: 9q22.32.
Variant type: single nucleotide variant.
Coding change: c.473T>C on transcript NM_000264.5 (MANE Select); coding-DNA position 473, T replaced by C.
Protein change: p.Met158Thr; replaces methionine 158 with threonine.
Molecular consequence: missense variant. On other transcripts: non-coding transcript variant (1).
Genome position (GRCh38, 1-based): chr9:95,485,796, A>G on the plus strand (T>C on the coding strand, the complement: PTCH1 is on the minus strand). VCF-style: chr9-95485796-A-G. GRCh37 (hg19) VCF-style: chr9-98248078-A-G.
Other names: c.20T>C, p.Met7Thr (NM_001083606.3, NM_001083607.3, NM_001083604.3 and 1 more transcripts); c.473T>C, p.Met158Thr (NM_001354918.2); c.275T>C, p.Met92Thr (NM_001354919.2, NM_001083602.3); c.470T>C, p.Met157Thr (NM_001083603.3); short protein forms M7T, M158T, M92T, M157T.
Identifiers: ClinVar variation 1742766 (VCV001742766.3), dbSNP rs1564063175, ClinGen allele CA374117031.